The following is an entry in ClinVar:

NM_000092.5(COL4A4):c.1970G>C (p.Gly657Ala)

Gene: COL4A4 (collagen type IV alpha 4 chain; minus strand). Cytogenetic location: 2q36.3.
Variant type: single nucleotide variant.
Coding change: c.1970G>C on transcript NM_000092.5 (MANE Select); coding-DNA position 1970, G replaced by C.
Protein change: p.Gly657Ala; replaces glycine 657 with alanine.
Molecular consequence: missense variant.
Genome position (GRCh38, 1-based): chr2:227,077,911, C>G on the plus strand (G>C on the coding strand, the complement: COL4A4 is on the minus strand). VCF-style: chr2-227077911-C-G. GRCh37 (hg19) VCF-style: chr2-227942627-C-G.
Other names: short protein forms G657A.
Identifiers: ClinVar variation 4817302 (VCV004817302.1).
Genomic context (GRCh38, chr2:227,077,911, plus strand): 5'-TACCCCAAAGCTATTGAAATAAATAAAATTTTTTTAAAATTACCTTTCTGACCCTTCAAG[C>G]CATCAGGGCCCCTCACACCTGGGTGGCCTGGAACTCCTGGGTGGCCTCGCTCTCCTGGTG-3'
Protein context (NP_000083.3, residues 647-667): PGHPGVRGPD[Gly657Ala]LKGQKGDTIS

ClinVar aggregate classification (germline): Likely pathogenic (1 of 4 stars; one submission).

Conditions:
Alport syndrome. Also called: Hemorrhagic familial nephritis; Hemorrhagic hereditary nephritis; Congenital hereditary hematuria. Identifiers: Orphanet 63, MedGen C1567741, MONDO:0018965.

gnomAD v4.1: 1 of 1,613,246 alleles (0.000062%); highest among the groups gnomAD compares: Admixed American, 0.0017%; no homozygotes.

Submission:

Natera, Inc.
Classification: Likely pathogenic for Alport syndrome. Last evaluated: 2025-10-27. Review status: criteria provided, single submitter. Criteria: Natera Variant Classification Schema (03/2026). Collection method: clinical testing. Allele origin: germline.
Comment: The c.1970G>C variant in COL4A4 is a missense variant predicted to cause substitution of glycine to alanine at amino acid 657. This variant is rare in the general population with a frequency below the threshold expected for the associated phenotype(s). This variant is located in a functionally critical region of the protein. A different variant at the same position has been determined to be Pathogenic or Likely Pathogenic. Computational prediction algorithms indicate this variant is likely to affect gene or protein function. Given the available evidence, this variant is classified as Likely Pathogenic.